The following is an entry in ClinVar:

NM_016169.4(SUFU):c.1370A>G (p.Lys457Arg)

Gene: SUFU (SUFU negative regulator of hedgehog signaling; plus strand). Cytogenetic location: 10q24.32.
Variant type: single nucleotide variant.
Coding change: c.1370A>G on transcript NM_016169.4 (MANE Select); coding-DNA position 1370, A replaced by G.
Protein change: p.Lys457Arg; replaces lysine 457 with arginine.
Molecular consequence: missense variant.
Genome position (GRCh38, 1-based): chr10:102,630,070, A>G. VCF-style: chr10-102630070-A-G. GRCh37 (hg19) VCF-style: chr10-104389827-A-G.
Other names: short protein forms K457R.
Identifiers: ClinVar variation 942954 (VCV000942954.13), dbSNP rs947720538, ClinGen allele CA377920426.

ClinVar aggregate classification (germline): Uncertain significance. Review status: criteria provided, multiple submitters, no conflicts (2 of 4 stars). 2 submissions from 2 submitters: Uncertain significance (2). Last evaluated 2026-01-21.

Conditions:
Hereditary cancer-predisposing syndrome. Also called: Neoplastic Syndromes, Hereditary; Hereditary neoplastic syndrome; Hereditary Cancer Syndrome; Tumor predisposition. Identifiers: Orphanet 140162, MedGen C0027672, MeSH D009386, MONDO:0015356.
Medulloblastoma (MDB). Also called: Medulloblastoma, somatic; MEDULLOBLASTOMA PREDISPOSITION SYNDROME. Identifiers: Orphanet 616, MedGen C0025149, MeSH D008527, MONDO:0007959, OMIM 155255, HP:0002885.
Gorlin syndrome. Also called: Nevoid Basal Cell Carcinoma Syndrome; Basal cell nevus syndrome. Identifiers: Orphanet 377, MedGen C0004779, MONDO:0007187.

Allele frequency attached by ClinVar (database versions not stated): gnomAD exomes below 0.00001.
gnomAD v4.1: 7 of 1,614,110 alleles (0.00043%); highest among the groups gnomAD compares: East Asian, 0.0022%; no homozygotes.

Submissions (2):

Labcorp Genetics (formerly Invitae), Labcorp
Classification: Uncertain significance for Gorlin syndrome; Medulloblastoma. Last evaluated: 2026-01-21. Review status: criteria provided, single submitter. Criteria: Invitae Variant Classification Sherloc (09022015). Collection method: clinical testing. Allele origin: germline.
Comment: This sequence change replaces lysine, which is basic and polar, with arginine, which is basic and polar, at codon 457 of the SUFU protein (p.Lys457Arg). This variant is present in population databases (no rsID available, gnomAD 0.003%). This variant has not been reported in the literature in individuals affected with SUFU-related conditions. ClinVar contains an entry for this variant (Variation ID: 942954). Invitae Evidence Modeling of protein sequence and biophysical properties (such as structural, functional, and spatial information, amino acid conservation, physicochemical variation, residue mobility, and thermodynamic stability) indicates that this missense variant is not expected to disrupt SUFU protein function with a negative predictive value of 80%. RNA analysis performed to evaluate the impact of this missense change on mRNA splicing indicates it does not significantly alter splicing (internal data). In summary, the available evidence is currently insufficient to determine the role of this variant in disease. Therefore, it has been classified as a Variant of Uncertain Significance.

Ambry Genetics
Classification: Uncertain significance for Hereditary cancer-predisposing syndrome. Last evaluated: 2024-06-08. Review status: criteria provided, single submitter. Criteria: Ambry Variant Classification Scheme 2023. Collection method: clinical testing. Allele origin: germline.
Comment: The p.K457R variant (also known as c.1370A>G), located in coding exon 12 of the SUFU gene, results from an A to G substitution at nucleotide position 1370. The lysine at codon 457 is replaced by arginine, an amino acid with highly similar properties. This amino acid position is highly conserved in available vertebrate species. In addition, this alteration is predicted to be tolerated by in silico analysis. Since supporting evidence is limited at this time, the clinical significance of this alteration remains unclear.